The following is an entry in ClinVar:

ClinVar aggregate classification (germline): Pathogenic/Likely pathogenic. Review status: criteria provided, multiple submitters, no conflicts (2 of 4 stars). 3 submissions from 3 submitters: Pathogenic (2); Likely pathogenic (1). Last evaluated 2026-09-24.

Conditions:
Ehlers-Danlos syndrome, classic type, 1 (EDSCL1). Also called: EDS I; EHLERS-DANLOS SYNDROME, GRAVIS TYPE; EHLERS-DANLOS SYNDROME, SEVERE CLASSIC TYPE; Ehlers-Danlos Syndrome, Classic Type, COL5A1-Related; Ehlers-Danlos syndrome, type 1. Identifiers: MedGen C0268335, MONDO:0019567, OMIM 130000.

Submissions (3):

GeneDx
Classification: Pathogenic. Last evaluated: 2026-09-24. Review status: criteria provided, single submitter. Criteria: GeneDx Variant Classification Process June 2021. Collection method: clinical testing. Allele origin: germline.
Comment: Identified in individuals with classical Ehlers-Danlos syndrome (cEDS) in published literature and referred for genetic testing at GeneDx (PMID: 19370768, 22696272, 28485813); Not observed at significant frequency in large population cohorts (gnomAD); In silico analysis supports that this missense variant has a deleterious effect on protein structure/function; This variant is associated with the following publications: (PMID: 22696272, 32736638, 28485813, 19370768)

Labcorp Genetics (formerly Invitae), Labcorp
Classification: Likely pathogenic for Ehlers-Danlos syndrome, classic type, 1. Last evaluated: 2024-12-17. Review status: criteria provided, single submitter. Criteria: Invitae Variant Classification Sherloc (09022015). Collection method: clinical testing. Allele origin: germline.
Comment: This sequence change replaces glycine, which is neutral and non-polar, with arginine, which is basic and polar, at codon 1489 of the COL5A1 protein (p.Gly1489Arg). This variant is not present in population databases (gnomAD no frequency). This missense change has been observed in individual(s) with Ehlers-Danlos syndrome (EDS) (PMID: 19370768, 22696272, 32736638). ClinVar contains an entry for this variant (Variation ID: 846084). Invitae Evidence Modeling of protein sequence and biophysical properties (such as structural, functional, and spatial information, amino acid conservation, physicochemical variation, residue mobility, and thermodynamic stability) has been performed for this missense variant. However, the output from this modeling did not meet the statistical confidence thresholds required to predict the impact of this variant on COL5A1 protein function. This variant disrupts the triple helix domain of COL5A1. Glycine residues within the Gly-Xaa-Yaa repeats of the triple helix domain are required for the structure and stability of fibrillar collagens (PMID: 7695699, 8218237, 19344236), and variants at these glycine residues in COL5A1 are more frequently observed in individuals with disease than in the general population (PMID: 22696272, 23587214). However, the clinical significance of this observation remains uncertain since only a limited number of affected individuals have been described to date. This variant disrupts the p.Gly1489 amino acid residue in COL5A1. Other variant(s) that disrupt this residue have been observed in individuals with COL5A1-related conditions (PMID: 10602121), which suggests that this may be a clinically significant amino acid residue. In summary, the currently available evidence indicates that the variant is pathogenic, but additional data are needed to prove that conclusively. Therefore, this variant has been classified as Likely Pathogenic.

Greenwood Genetic Center Diagnostic Laboratories, Greenwood Genetic Center
Classification: Pathogenic for Ehlers-Danlos syndrome, classic type, 1. Last evaluated: 2024-01-09. Review status: criteria provided, single submitter. Criteria: ACMG Guidelines, 2015. Collection method: clinical testing. Allele origin: germline. Affected: yes.
Comment: PS2, PS4_Moderate, PM1, PM2, PP2, PP3

Literature cited by the submitters: PubMed 19370768 (cited by Labcorp Genetics (formerly Invitae), Labcorp); PubMed 22696272 (cited by Labcorp Genetics (formerly Invitae), Labcorp); PubMed 32736638 (cited by Labcorp Genetics (formerly Invitae), Labcorp); PubMed 7695699 (cited by Labcorp Genetics (formerly Invitae), Labcorp); PubMed 8218237 (cited by Labcorp Genetics (formerly Invitae), Labcorp); PubMed 19344236 (cited by Labcorp Genetics (formerly Invitae), Labcorp); PubMed 23587214 (cited by Labcorp Genetics (formerly Invitae), Labcorp); PubMed 10602121 (cited by Labcorp Genetics (formerly Invitae), Labcorp).

NM_000093.5(COL5A1):c.4465G>A (p.Gly1489Arg)

Genes: COL5A1 (collagen type V alpha 1 chain; plus strand), LOC101448202 (uncharacterized LOC101448202; minus strand). Cytogenetic location: 9q34.3.
Variant type: single nucleotide variant.
Coding change: c.4465G>A on transcript NM_000093.5 (MANE Select); coding-DNA position 4465, G replaced by A.
Protein change: p.Gly1489Arg; replaces glycine 1489 with arginine.
Molecular consequence: missense variant. On other transcripts: non-coding transcript variant (1).
Genome position (GRCh38, 1-based): chr9:134,820,134, G>A. VCF-style: chr9-134820134-G-A. GRCh37 (hg19) VCF-style: chr9-137711980-G-A.
Other names: c.4465G>A, p.Gly1489Arg (NM_001278074.1); c.4465G>A (NM_000093.3); short protein forms G1489R.
Identifiers: ClinVar variation 846084 (VCV000846084.15), dbSNP rs1838935159, ClinGen allele CA375457760.